The following is an entry in ClinVar:

NM_000222.3(KIT):c.2782A>G (p.Ile928Val)

Gene: KIT (KIT proto-oncogene, receptor tyrosine kinase; plus strand). Cytogenetic location: 4q12.
Variant type: single nucleotide variant.
Coding change: c.2782A>G on transcript NM_000222.3 (MANE Select); coding-DNA position 2782, A replaced by G.
Protein change: p.Ile928Val; replaces isoleucine 928 with valine.
Molecular consequence: missense variant.
Genome position (GRCh38, 1-based): chr4:54,737,260, A>G. VCF-style: chr4-54737260-A-G. GRCh37 (hg19) VCF-style: chr4-55603426-A-G.
Other names: c.2770A>G, p.Ile924Val (NM_001093772.2, NM_001385292.1); c.2785A>G, p.Ile929Val (NM_001385284.1); c.2779A>G, p.Ile927Val (NM_001385285.1); c.2767A>G, p.Ile923Val (NM_001385286.1); c.2773A>G, p.Ile925Val (NM_001385288.1); c.2782A>G, p.Ile928Val (NM_001385290.1); short protein forms I929V, I923V, I928V, I924V, I925V, I927V.
Identifiers: ClinVar variation 2110427 (VCV002110427.4), dbSNP rs1343494916, ClinGen allele CA356914528.
Genomic context (GRCh38, chr4:54,737,260, plus strand): 5'-GATGCAGATCCCCTAAAAAGACCAACATTCAAGCAAATTGTTCAGCTAATTGAGAAGCAG[A>G]TTTCAGAGAGCACCAATCATGTGAGTATACCCTGGCCAGGCATAGAATCCCCCTTCTCCC-3'
Protein context (NP_000213.1, residues 918-938): KQIVQLIEKQ[Ile928Val]SESTNHIYSN

ClinVar aggregate classification (germline): Conflicting classifications of pathogenicity. Review status: criteria provided, conflicting classifications (1 of 4 stars). 2 submissions from 2 submitters: Uncertain significance (1); Likely benign (1). Last evaluated 2025-06-12.

Conditions:
Hereditary cancer-predisposing syndrome. Also called: Hereditary neoplastic syndrome; Neoplastic Syndromes, Hereditary; Hereditary Cancer Syndrome; Tumor predisposition. Identifiers: Orphanet 140162, MedGen C0027672, MeSH D009386, MONDO:0015356.
Gastrointestinal stromal tumor. Also called: Gastrointestinal stroma tumor; Gastrointestinal stromal tumor, somatic. Identifiers: Orphanet 44890, MedGen C0238198, MeSH D046152, MONDO:0011719, OMIM 606764, HP:0100723.

Submissions (2):

Ambry Genetics
Classification: Likely benign for Hereditary cancer-predisposing syndrome. Last evaluated: 2025-06-12. Review status: criteria provided, single submitter. Criteria: Ambry Variant Classification Scheme 2023. Collection method: clinical testing. Allele origin: germline.

Labcorp Genetics (formerly Invitae), Labcorp
Classification: Uncertain significance for Gastrointestinal stromal tumor. Last evaluated: 2022-03-12. Review status: criteria provided, single submitter. Criteria: Invitae Variant Classification Sherloc (09022015). Collection method: clinical testing. Allele origin: germline.
Comment: Algorithms developed to predict the effect of missense changes on protein structure and function (SIFT, PolyPhen-2, Align-GVGD) all suggest that this variant is likely to be tolerated. In summary, the available evidence is currently insufficient to determine the role of this variant in disease. Therefore, it has been classified as a Variant of Uncertain Significance. This variant has not been reported in the literature in individuals affected with KIT-related conditions. This sequence change replaces isoleucine, which is neutral and non-polar, with valine, which is neutral and non-polar, at codon 928 of the KIT protein (p.Ile928Val). This variant is not present in population databases (gnomAD no frequency).